The following is an entry in ClinVar:

NM_181882.3(PRX):c.3549C>T (p.Tyr1183=)

Gene: PRX (periaxin; minus strand). Cytogenetic location: 19q13.2.
Variant type: single nucleotide variant.
Coding change: c.3549C>T on transcript NM_181882.3 (MANE Select); coding-DNA position 3549, C replaced by T.
Protein change: p.Tyr1183=; no amino-acid change (tyrosine 1183 retained).
Molecular consequence: synonymous variant. On other transcripts: 3 prime UTR variant (1).
Genome position (GRCh38, 1-based): chr19:40,394,803, G>A on the plus strand (C>T on the coding strand, the complement: PRX is on the minus strand). VCF-style: chr19-40394803-G-A. GRCh37 (hg19) VCF-style: chr19-40900710-G-A.
Other names: c.*3754C>T (NM_020956.2).
Identifiers: ClinVar variation 329256 (VCV000329256.55), dbSNP rs367876251, ClinGen allele CA9443834.

ClinVar aggregate classification (germline): Conflicting classifications of pathogenicity. Review status: criteria provided, conflicting classifications (1 of 4 stars). 6 submissions from 6 submitters: Uncertain significance (1); Likely benign (4). 1 of the submissions does not count toward it. Last evaluated 2025-10-07.

Conditions:
Inborn genetic diseases. Identifiers: MedGen C0950123, MeSH D030342.
Charcot-Marie-Tooth disease type 4. Also called: Charcot-Marie-Tooth, Type 4; Charcot-Marie-Tooth disease, type IV. Identifiers: Orphanet 64749, MedGen C4082197, MONDO:0018995.
PRX-related disorder. Also called: PRX-related condition; PRX-Related Disorders.
Charcot-Marie-Tooth disease type 4F. Also called: Charcot-Marie-Tooth disease, demyelinating, type 4F. Identifiers: Orphanet 99952, MedGen C3540453, MONDO:0013959, OMIM 614895.

Allele frequency attached by ClinVar (database versions not stated): ExAC 0.00004; ESP Exome Variant Server 0.00008; TOPMed 0.00013; gnomAD 0.00015 and 0.00017.
gnomAD v4.1: 249 of 1,613,430 alleles (0.015%); highest among the groups gnomAD compares: Non-Finnish European, 0.02%; no homozygotes.

Submissions (6):

Labcorp Genetics (formerly Invitae), Labcorp
Classification: Likely benign for Charcot-Marie-Tooth disease type 4. Last evaluated: 2025-10-07. Review status: criteria provided, single submitter. Criteria: Invitae Variant Classification Sherloc (09022015). Collection method: clinical testing. Allele origin: germline.

CeGaT Center for Human Genetics Tuebingen
Classification: Likely benign. Last evaluated: 2021-11-01. Review status: criteria provided, single submitter. Criteria: CeGaT Center For Human Genetics Tuebingen Variant Classification Criteria Version 2. Collection method: clinical testing. Allele origin: germline. Affected: yes. Observed: 1 variant allele.

Ambry Genetics
Classification: Likely benign for Inborn genetic diseases. Last evaluated: 2019-07-11. Review status: criteria provided, single submitter. Criteria: Ambry Variant Classification Scheme 2023. Collection method: clinical testing. Allele origin: germline.

ARUP Laboratories, Molecular Genetics and Genomics, ARUP Laboratories
Classification: Likely benign. Last evaluated: 2019-03-18. Review status: criteria provided, single submitter. Criteria: ARUP Molecular Germline Variant Investigation Process. Collection method: clinical testing. Allele origin: germline.

Illumina Laboratory Services, Illumina
Classification: Uncertain significance for Charcot-Marie-Tooth disease type 4F. Last evaluated: 2018-01-13. Review status: criteria provided, single submitter. Criteria: ICSL Variant Classification Criteria 13 December 2019. Collection method: clinical testing. Allele origin: germline.

PreventionGenetics, part of Exact Sciences
Classification: Likely benign for PRX-related condition. Last evaluated: 2019-08-13. Review status: no assertion criteria provided. Collection method: clinical testing. Allele origin: germline. Not counted in ClinVar's aggregate classification.
Comment: This variant is classified as likely benign based on ACMG/AMP sequence variant interpretation guidelines (Richards et al. 2015 PMID: 25741868, with internal and published modifications).